The following is an entry in ClinVar:

NM_001122955.4(BSCL2):c.1126G>T (p.Glu376Ter)

Genes: BSCL2 (BSCL2 lipid droplet biogenesis associated, seipin; minus strand), HNRNPUL2-BSCL2 (HNRNPUL2-BSCL2 readthrough (NMD candidate); minus strand). Cytogenetic location: 11q12.3.
Variant type: single nucleotide variant.
Coding change: c.1126G>T on transcript NM_001122955.4 (MANE Select); coding-DNA position 1126, G replaced by T.
Protein change: p.Glu376Ter; replaces glutamic acid 376 with a stop codon.
Molecular consequence: nonsense. On other transcripts: non-coding transcript variant (1), synonymous variant (1).
Genome position (GRCh38, 1-based): chr11:62,690,814, C>A on the plus strand (G>T on the coding strand, the complement: BSCL2 is on the minus strand). VCF-style: chr11-62690814-C-A. GRCh37 (hg19) VCF-style: chr11-62458286-C-A.
Other names: c.792G>T, p.Val264= (NM_001130702.2); c.1132G>T, p.Glu378Ter (NM_001386027.1); c.1126G>T, p.Glu376Ter (NM_001386028.1); c.934G>T, p.Glu312Ter (NM_032667.6); short protein forms E312*, E376*, E378*.
Identifiers: ClinVar variation 965603 (VCV000965603.7), dbSNP rs1945289474, ClinGen allele CA380956804.

ClinVar aggregate classification (germline): Pathogenic (1 of 4 stars; one submission).

Conditions:
Charcot-Marie-Tooth disease type 2. Also called: Charcot-Marie-Tooth type 2. Identifiers: Orphanet 64746, MedGen C0270914, MONDO:0018993.

Allele frequency attached by ClinVar (database versions not stated): gnomAD exomes 0.00001.
gnomAD v4.1: 4 of 1,613,642 alleles (0.00025%); highest among the groups gnomAD compares: Non-Finnish European, 0.00025%; no homozygotes.

Submission:

Labcorp Genetics (formerly Invitae), Labcorp
Classification: Pathogenic for Charcot-Marie-Tooth disease type 2. Last evaluated: 2019-10-03. Review status: criteria provided, single submitter. Criteria: Invitae Variant Classification Sherloc (09022015). Collection method: clinical testing. Allele origin: germline.
Comment: For these reasons, this variant has been classified as Pathogenic. Loss-of-function variants in BSCL2 are known to be pathogenic (PMID: 23564749). This variant has not been reported in the literature in individuals with BSCL2-related conditions. This variant is not present in population databases (ExAC no frequency). This sequence change creates a premature translational stop signal (p.Glu312*) in the BSCL2 gene. It is expected to result in an absent or disrupted protein product.

Literature cited by the submitters: PubMed 23564749.